The following is an entry in ClinVar:

NM_001377.3(DYNC2H1):c.10429G>T (p.Glu3477Ter)

Gene: DYNC2H1 (dynein cytoplasmic 2 heavy chain 1; plus strand). Cytogenetic location: 11q22.3.
Variant type: single nucleotide variant.
Coding change: c.10429G>T on transcript NM_001377.3 (MANE Select); coding-DNA position 10429, G replaced by T.
Protein change: p.Glu3477Ter; replaces glutamic acid 3477 with a stop codon.
Molecular consequence: nonsense.
Genome position (GRCh38, 1-based): chr11:103,256,208, G>T. VCF-style: chr11-103256208-G-T. GRCh37 (hg19) VCF-style: chr11-103126937-G-T.
Other names: c.10450G>T, p.Glu3484Ter (NM_001080463.2); short protein forms E3477*, E3484*.
Identifiers: ClinVar variation 2860346 (VCV002860346.3), dbSNP rs2496645400, ClinGen allele CA382249673.

ClinVar aggregate classification (germline): Pathogenic (1 of 4 stars; one submission).

Conditions:
Jeune thoracic dystrophy. Also called: Jeune syndrome; Infantile thoracic dystrophy; Thoracic pelvic phalangeal dystrophy; Jeune's syndrome; Chondroectodermal dysplasia-like syndrome; Short-rib thoracic dysplasia. Identifiers: Orphanet 474, MedGen C0265275, MONDO:0018770.

Submission:

Labcorp Genetics (formerly Invitae), Labcorp
Classification: Pathogenic for Jeune thoracic dystrophy. Last evaluated: 2023-04-28. Review status: criteria provided, single submitter. Criteria: Invitae Variant Classification Sherloc (09022015). Collection method: clinical testing. Allele origin: germline.
Comment: This sequence change creates a premature translational stop signal (p.Glu3484*) in the DYNC2H1 gene. It is expected to result in an absent or disrupted protein product. Loss-of-function variants in DYNC2H1 are known to be pathogenic (PMID: 23339108, 32753734). This variant is not present in population databases (gnomAD no frequency). This variant has not been reported in the literature in individuals affected with DYNC2H1-related conditions. For these reasons, this variant has been classified as Pathogenic.

Literature cited by the submitters: PubMed 23339108; PubMed 32753734.